The following is an entry in ClinVar:

NM_000069.3(CACNA1S):c.1775T>A (p.Val592Glu)

Gene: CACNA1S (calcium voltage-gated channel subunit alpha1 S; minus strand). Cytogenetic location: 1q32.1.
Variant type: single nucleotide variant.
Coding change: c.1775T>A on transcript NM_000069.3 (MANE Select); coding-DNA position 1775, T replaced by A.
Protein change: p.Val592Glu; replaces valine 592 with glutamic acid.
Molecular consequence: missense variant.
Genome position (GRCh38, 1-based): chr1:201,076,972, A>T on the plus strand (T>A on the coding strand, the complement: CACNA1S is on the minus strand). VCF-style: chr1-201076972-A-T. GRCh37 (hg19) VCF-style: chr1-201046100-A-T.
Other names: short protein forms V592E.
Identifiers: ClinVar variation 3070158 (VCV003070158.3), dbSNP rs2464566656, ClinGen allele CA344119704.

ClinVar aggregate classification (germline): Uncertain significance. Review status: criteria provided, multiple submitters, no conflicts (2 of 4 stars). 2 submissions from 2 submitters: Uncertain significance (2). Last evaluated 2025-06-23.

Conditions:
Malignant hyperthermia, susceptibility to, 5 (MHS5). Also called: CACNA1S-Related Malignant Hyperthermia Susceptibility. Identifiers: Orphanet 423, MedGen C1866077, MONDO:0011163, OMIM 601887.

Submissions (2):

Color Diagnostics, LLC DBA Color Health
Classification: Uncertain significance for Malignant hyperthermia, susceptibility to, 5. Last evaluated: 2025-06-23. Review status: criteria provided, single submitter. Criteria: ACMG Guidelines, 2015. Collection method: clinical testing. Allele origin: germline.
Comment: This missense variant replaces valine with glutamic acid at codon 592 of the CACNA1S protein. Computational prediction is inconclusive regarding the impact of this variant on protein structure and function. To our knowledge, functional studies have not been reported for this variant. This variant has not been reported in individuals affected with CACNA1S-related disorders in the literature. This variant has not been identified in the general population by the Genome Aggregation Database (gnomAD). The available evidence is insufficient to determine the role of this variant in disease conclusively. Therefore, this variant is classified as a Variant of Uncertain Significance.

All of Us Research Program, National Institutes of Health
Classification: Uncertain significance for Malignant hyperthermia, susceptibility to, 5. Last evaluated: 2024-03-05. Review status: criteria provided, single submitter. Criteria: ACMG Guidelines, 2015. Collection method: clinical testing. Allele origin: germline. Inheritance: Autosomal dominant inheritance. Observed: 2 variant alleles, 2 heterozygotes.
Comment: This missense variant replaces valine with glutamic acid at codon 592 of the CACNA1S protein. Computational prediction is inconclusive regarding the impact of this variant on protein structure and function (internally defined REVEL score threshold 0.5 < inconclusive < 0.7, PMID: 27666373). To our knowledge, functional studies have not been reported for this variant. This variant has not been reported in individuals affected with CACNA1S-related disorders in the literature. This variant has not been identified in the general population by the Genome Aggregation Database (gnomAD). The available evidence is insufficient to determine the role of this variant in disease conclusively. Therefore, this variant is classified as a Variant of Uncertain Significance.

This study involves interpretation of variants in research participants for the purpose of population health screening. Participant phenotype was not available at the time of variant classification. Additional details can be found in publication PMID: 35346344, PMCID: PMC8962531